The following is an entry in ClinVar:

NM_000179.3(MSH6):c.3142C>G (p.Gln1048Glu)

Gene: MSH6 (mutS homolog 6; plus strand). Cytogenetic location: 2p16.3.
Variant type: single nucleotide variant.
Coding change: c.3142C>G on transcript NM_000179.3 (MANE Select); coding-DNA position 3142, C replaced by G.
Protein change: p.Gln1048Glu; replaces glutamine 1048 with glutamic acid.
Molecular consequence: missense variant.
Genome position (GRCh38, 1-based): chr2:47,801,125, C>G. VCF-style: chr2-47801125-C-G. GRCh37 (hg19) VCF-style: chr2-48028264-C-G.
Other names: c.2236C>G, p.Gln746Glu (NM_001281493.2, NM_001281494.2); c.2752C>G, p.Gln918Glu (NM_001281492.2); short protein forms Q1048E, Q918E, Q746E.
Identifiers: ClinVar variation 216312 (VCV000216312.17), dbSNP rs200492211, ClinGen allele CA070092.
Genomic context (GRCh38, chr2:47,801,125, plus strand): 5'-TCATTGAAGGACTGCATGCGGCGACTGTTCTATAACTTTGATAAAAATTACAAGGACTGG[C>G]AGTCTGCTGTAGAGTGTATCGCAGTGTTGGGTAAGACTTTGAACAAGCTTGTTCTCAGGC-3'
Protein context (NP_000170.1, residues 1038-1058): YNFDKNYKDW[Gln1048Glu]SAVECIAVLD

ClinVar aggregate classification (germline): Conflicting classifications of pathogenicity. Review status: criteria provided, conflicting classifications (1 of 4 stars). 4 submissions from 4 submitters: Uncertain significance (3); Likely benign (1). Last evaluated 2025-04-29.

Conditions:
Hereditary nonpolyposis colorectal neoplasms. Identifiers: MedGen C0009405, MeSH D003123.
Hereditary cancer-predisposing syndrome. Also called: Hereditary Cancer Syndrome; Hereditary neoplastic syndrome; Neoplastic Syndromes, Hereditary; Tumor predisposition. Identifiers: Orphanet 140162, MedGen C0027672, MeSH D009386, MONDO:0015356.
Lynch syndrome. Identifiers: Orphanet 144, MedGen C4552100, MONDO:0005835. Disease mechanism: loss of function.
Endometrial carcinoma. Also called: Endometrial carcinoma, somatic. Identifiers: MedGen C0476089, MONDO:0002447, OMIM 608089, HP:0012114.

Allele frequency attached by ClinVar (database versions not stated): gnomAD exomes below 0.00001; ExAC 0.00001; gnomAD 0.00001; 1000 Genomes Project 30x 0.00016; 1000 Genomes Project 0.00020.
gnomAD v4.1: 1 of 1,612,064 alleles (0.000062%); highest among the groups gnomAD compares: Admixed American, 0.0017%; no homozygotes.

Submissions (4):

Labcorp Genetics (formerly Invitae), Labcorp
Classification: Likely benign for Hereditary nonpolyposis colorectal neoplasms. Last evaluated: 2025-04-29. Review status: criteria provided, single submitter. Criteria: Invitae Variant Classification Sherloc (09022015). Collection method: clinical testing. Allele origin: germline.

Ambry Genetics
Classification: Uncertain significance for Hereditary cancer-predisposing syndrome. Last evaluated: 2025-03-11. Review status: criteria provided, single submitter. Criteria: Ambry Variant Classification Scheme 2023. Collection method: clinical testing. Allele origin: germline.
Comment: The p.Q1048E variant (also known as c.3142C>G), located in coding exon 4 of the MSH6 gene, results from a C to G substitution at nucleotide position 3142. The glutamine at codon 1048 is replaced by glutamic acid, an amino acid with highly similar properties. This amino acid position is not well conserved in available vertebrate species. In addition, the in silico prediction for this alteration is inconclusive. Based on the available evidence, the clinical significance of this variant remains unclear.

All of Us Research Program, National Institutes of Health
Classification: Uncertain significance for Lynch syndrome. Last evaluated: 2024-03-05. Review status: criteria provided, single submitter. Criteria: ACMG Guidelines, 2015. Collection method: clinical testing. Allele origin: germline. Inheritance: Autosomal dominant inheritance. Observed: 1 variant allele, 1 heterozygote.
Comment: This missense variant replaces glutamine with glutamic acid at codon 1048 of the MSH6 protein. Computational prediction suggests that this variant may not impact protein structure and function (internally defined REVEL score threshold <= 0.5, PMID: 27666373). To our knowledge, functional studies have not been reported for this variant. This variant has not been reported in individuals affected with hereditary cancer in the literature. This variant has been identified in 1/247774 chromosomes in the general population by the Genome Aggregation Database (gnomAD). The available evidence is insufficient to determine the role of this variant in disease conclusively. Therefore, this variant is classified as a Variant of Uncertain Significance.

This study involves interpretation of variants in research participants for the purpose of population health screening. Participant phenotype was not available at the time of variant classification. Additional details can be found in publication PMID: 35346344, PMCID: PMC8962531

Baylor Genetics
Classification: Uncertain significance for Endometrial carcinoma. Last evaluated: 2023-11-18. Review status: criteria provided, single submitter. Criteria: ACMG Guidelines, 2015. Collection method: clinical testing. Allele origin: unknown.